The following is an entry in ClinVar:

ClinVar aggregate classification (germline): Uncertain significance. Review status: criteria provided, multiple submitters, no conflicts (2 of 4 stars). 2 submissions from 2 submitters: Uncertain significance (2). Last evaluated 2024-07-25.

Conditions:
Hereditary cancer-predisposing syndrome. Also called: Tumor predisposition; Hereditary Cancer Syndrome; Hereditary neoplastic syndrome; Neoplastic Syndromes, Hereditary. Identifiers: Orphanet 140162, MedGen C0027672, MeSH D009386, MONDO:0015356.
Melanoma and neural system tumor syndrome. Also called: MELANOMA-ASTROCYTOMA SYNDROME. Identifiers: Orphanet 252206, MedGen C1835042, MONDO:0007967, OMIM 155755.

Submissions (2):

Ambry Genetics
Classification: Uncertain significance for Hereditary cancer-predisposing syndrome. Last evaluated: 2024-07-25. Review status: criteria provided, single submitter. Criteria: Ambry Variant Classification Scheme 2023. Collection method: clinical testing. Allele origin: germline.
Comment: The p.R87L variant (also known as c.260G>T), located in coding exon 2 of the CDKN2A gene, results from a G to T substitution at nucleotide position 260. The arginine at codon 87 is replaced by leucine, an amino acid with dissimilar properties. In one functional study, this alteration showed loss of inhibition of cell cycle arrest (Yarbrough WG et al. J Natl Cancer Inst, 1999 Sep;91:1569-74). This amino acid position is highly conserved in available vertebrate species. In addition, this alteration is predicted to be deleterious by in silico analysis. Based on the available evidence, the clinical significance of this variant remains unclear.

Baylor Genetics
Classification: Uncertain significance for Melanoma and neural system tumor syndrome. Last evaluated: 2024-02-06. Review status: criteria provided, single submitter. Criteria: ACMG Guidelines, 2015. Collection method: clinical testing. Allele origin: unknown.

Literature cited by the submitters: PubMed 10491434 (cited by Ambry Genetics).

NM_000077.5(CDKN2A):c.260G>T (p.Arg87Leu)

Gene: CDKN2A (cyclin dependent kinase inhibitor 2A; minus strand). Cytogenetic location: 9p21.3.
Variant type: single nucleotide variant.
Coding change: c.260G>T on transcript NM_000077.5; coding-DNA position 260, G replaced by T.
Protein change: p.Arg87Leu; replaces arginine 87 with leucine.
Molecular consequence: missense variant (on NM_000077.6). On other transcripts: synonymous variant (1), 3 prime UTR variant (1).
Genome position (GRCh38, 1-based): chr9:21,971,099, C>A on the plus strand (G>T on the coding strand, the complement: CDKN2A is on the minus strand). VCF-style: chr9-21971099-C-A. GRCh37 (hg19) VCF-style: chr9-21971098-C-A.
Other names: c.260G>T, p.Arg87Leu (NM_000077.6, NM_001195132.2); c.107G>T, p.Arg36Leu (NM_001363763.2); c.303G>T, p.Pro101= (NM_058195.4); c.*183G>T (NM_058197.5); short protein forms R36L, R87L.
Identifiers: ClinVar variation 3241071 (VCV003241071.2), dbSNP rs878853647.
Genomic context (GRCh38, chr9:21,971,099, plus strand): 5'-CGCACGTCCAGCCGCGCCCCGGCCCGGTGCAGCACCACCAGCGTGTCCAGGAAGCCCTCC[C>A]GGGCAGCGTCGTGCACGGGTCGGGTGAGAGTGGCGGGGTCGGCGCAGTTGGGCTCCGCGC-3'
Protein context (NP_000068.1, residues 77-97): TLTRPVHDAA[Arg87Leu]EGFLDTLVVL